The following is an entry in ClinVar:

NC_000022.11:g.40345463del

Gene: ADSL (adenylosuccinate lyase; plus strand). Cytogenetic location: 22q13.1.
Variant type: Deletion.
Genome position: GRCh38 VCF-style: chr22-40345462-CG-C. GRCh37 (hg19) VCF-style: chr22-40741466-CG-C.
Identifiers: ClinVar variation 2088269 (VCV002088269.5), dbSNP rs2044100923, ClinGen allele CA2405715319.

ClinVar aggregate classification (germline): Uncertain significance (1 of 4 stars; one submission).

Conditions:
Adenylosuccinate lyase deficiency (ADSLD). Also called: ADSL DEFICIENCY. Identifiers: Orphanet 46, MedGen C0268126, MONDO:0007068, OMIM 103050.

Allele frequency attached by ClinVar (database versions not stated): TOPMed 0.00001.

Submission:

Labcorp Genetics (formerly Invitae), Labcorp
Classification: Uncertain significance for Adenylosuccinate lyase deficiency. Last evaluated: 2022-08-07. Review status: criteria provided, single submitter. Criteria: Invitae Variant Classification Sherloc (09022015). Collection method: clinical testing. Allele origin: germline.
Comment: This variant occurs in a non-coding region of the ADSL gene. It does not change the encoded amino acid sequence of the ADSL protein. This variant is not present in population databases (gnomAD no frequency). This variant has not been reported in the literature in individuals affected with ADSL-related conditions. Experimental studies and prediction algorithms are not available or were not evaluated, and the functional significance of this variant is currently unknown. In summary, the available evidence is currently insufficient to determine the role of this variant in disease. Therefore, it has been classified as a Variant of Uncertain Significance.